The following is an entry in ClinVar:

ClinVar aggregate classification (germline): Uncertain significance (1 of 4 stars; one submission).

Allele frequency attached by ClinVar (database versions not stated): TOPMed below 0.00001; gnomAD 0.00001.
gnomAD v4.1: 1 of 1,566,920 alleles (0.000064%); highest among the groups gnomAD compares: African/African-American, 0.0013%; no homozygotes.

Submission:

Labcorp Genetics (formerly Invitae), Labcorp
Classification: Uncertain significance. Last evaluated: 2023-02-16. Review status: criteria provided, single submitter. Criteria: Invitae Variant Classification Sherloc (09022015). Collection method: clinical testing. Allele origin: germline.
Comment: Algorithms developed to predict the effect of missense changes on protein structure and function output the following: SIFT: "Not Available"; PolyPhen-2: "Benign"; Align-GVGD: "Not Available". The glycine amino acid residue is found in multiple mammalian species, which suggests that this missense change does not adversely affect protein function. In summary, the available evidence is currently insufficient to determine the role of this variant in disease. Therefore, it has been classified as a Variant of Uncertain Significance. This variant has not been reported in the literature in individuals affected with ALPK3-related conditions. This variant is not present in population databases (gnomAD no frequency). This sequence change replaces aspartic acid, which is acidic and polar, with glycine, which is neutral and non-polar, at codon 1439 of the ALPK3 protein (p.Asp1439Gly).

NM_020778.5(ALPK3):c.3710A>G (p.Asp1237Gly)

Gene: ALPK3 (alpha kinase 3; plus strand). Cytogenetic location: 15q25.3.
Variant type: single nucleotide variant.
Coding change: c.3710A>G on transcript NM_020778.5 (MANE Select); coding-DNA position 3710, A replaced by G.
Protein change: p.Asp1237Gly; replaces aspartic acid 1237 with glycine.
Molecular consequence: missense variant.
Genome position (GRCh38, 1-based): chr15:84,858,448, A>G. VCF-style: chr15-84858448-A-G. GRCh37 (hg19) VCF-style: chr15-85401679-A-G.
Other names: short protein forms D1237G.
Identifiers: ClinVar variation 2876647 (VCV002876647.3), dbSNP rs909737009, ClinGen allele CA273625904.